The following is an entry in ClinVar:

ClinVar aggregate classification (germline): Benign/Likely benign. Review status: criteria provided, multiple submitters, no conflicts (2 of 4 stars). 3 submissions from 3 submitters: Benign (1); Likely benign (2). Last evaluated 2026-09-09.

Conditions:
Familial cancer of breast. Also called: Hereditary breast cancer; BREAST CANCER, FAMILIAL; hereditary breast carcinoma. Identifiers: Orphanet 227535, MedGen C0346153, MONDO:0016419, OMIM 114480. Disease mechanism: loss of function.
Hereditary cancer-predisposing syndrome. Also called: Neoplastic Syndromes, Hereditary; Hereditary Cancer Syndrome; Tumor predisposition; Hereditary neoplastic syndrome. Identifiers: Orphanet 140162, MedGen C0027672, MeSH D009386, MONDO:0015356.

Submissions (3):

Ambry Genetics
Classification: Likely benign for Hereditary cancer-predisposing syndrome. Last evaluated: 2026-09-09. Review status: criteria provided, single submitter. Criteria: Ambry Variant Classification Scheme 2023. Collection method: clinical testing. Allele origin: germline.

Myriad Genetics, Inc.
Classification: Benign for Familial cancer of breast. Last evaluated: 2025-01-13. Review status: criteria provided, single submitter. Criteria: Myriad Autosomal Dominant, Autosomal Recessive and X-Linked Classification Criteria (2023). Collection method: clinical testing. Allele origin: unknown.
Comment: This variant is considered benign. This variant is a silent/synonymous amino acid change and it is not expected to impact splicing.

Color Diagnostics, LLC DBA Color Health
Classification: Likely benign for Hereditary cancer-predisposing syndrome. Last evaluated: 2019-10-14. Review status: criteria provided, single submitter. Criteria: ACMG Guidelines, 2015. Collection method: clinical testing. Allele origin: germline.

NM_024675.4(PALB2):c.1128T>C (p.Ser376=)

Gene: PALB2 (partner and localizer of BRCA2; minus strand). Cytogenetic location: 16p12.2.
Variant type: single nucleotide variant.
Coding change: c.1128T>C on transcript NM_024675.4 (MANE Select); coding-DNA position 1128, T replaced by C.
Protein change: p.Ser376=; no amino-acid change (serine 376 retained).
Molecular consequence: synonymous variant.
Genome position (GRCh38, 1-based): chr16:23,635,418, A>G on the plus strand (T>C on the coding strand, the complement: PALB2 is on the minus strand). VCF-style: chr16-23635418-A-G. GRCh37 (hg19) VCF-style: chr16-23646739-A-G.
Identifiers: ClinVar variation 923024 (VCV000923024.4), dbSNP rs587780204, ClinGen allele CA494461982.
Genomic context (GRCh38, chr16:23,635,418, plus strand): 5'-GCAAGAATGTTTTTCTGCAGAAAGAGGAGAGGTTGCTTCCAGGCTAAGACTCTTAGGTTG[A>G]CTTAGAATCTCACTTTCCTGAAGATTTTCATTCCTGCCATCAAGAGTGTCACTGGGAGAT-3'
Protein context (NP_078951.2, residues 366-386): NENLQESEIL[Ser376=]QPKSLSLEAT